The following is an entry in ClinVar:

NM_001080517.3(SETD5):c.2471A>G (p.Asn824Ser)

Gene: SETD5 (SET domain containing 5; plus strand). Cytogenetic location: 3p25.3.
Variant type: single nucleotide variant.
Coding change: c.2471A>G on transcript NM_001080517.3 (MANE Select); coding-DNA position 2471, A replaced by G.
Protein change: p.Asn824Ser; replaces asparagine 824 with serine.
Molecular consequence: missense variant.
Genome position (GRCh38, 1-based): chr3:9,453,863, A>G. VCF-style: chr3-9453863-A-G. GRCh37 (hg19) VCF-style: chr3-9495547-A-G.
Other names: c.2177A>G, p.Asn726Ser (NM_001349451.2, NM_001292043.2); short protein forms N726S, N824S.
Identifiers: ClinVar variation 2444594 (VCV002444594.6), dbSNP rs779732321, ClinGen allele CA2239457.

ClinVar aggregate classification (germline): Uncertain significance. Review status: criteria provided, multiple submitters, no conflicts (2 of 4 stars). 3 submissions from 3 submitters: Uncertain significance (3). Last evaluated 2023-11-27.

Conditions:
Intellectual disability-facial dysmorphism syndrome due to SETD5 haploinsufficiency (MRD23). Also called: Intellectual developmental disorder, autosomal dominant 23. Identifiers: Orphanet 404440, MedGen C3810406, MONDO:0014336, OMIM 615761.

Allele frequency attached by ClinVar (database versions not stated): gnomAD exomes below 0.00001; TOPMed below 0.00001; ExAC 0.00002; gnomAD 0.00002.
gnomAD v4.1: 5 of 1,572,464 alleles (0.00032%); highest among the groups gnomAD compares: South Asian, 0.0036%; no homozygotes.

Submissions (3):

Labcorp Genetics (formerly Invitae), Labcorp
Classification: Uncertain significance. Last evaluated: 2023-11-27. Review status: criteria provided, single submitter. Criteria: Invitae Variant Classification Sherloc (09022015). Collection method: clinical testing. Allele origin: germline.
Comment: This sequence change replaces asparagine, which is neutral and polar, with serine, which is neutral and polar, at codon 824 of the SETD5 protein (p.Asn824Ser). This variant is present in population databases (rs779732321, gnomAD 0.004%). This variant has not been reported in the literature in individuals affected with SETD5-related conditions. ClinVar contains an entry for this variant (Variation ID: 2444594). Advanced modeling of protein sequence and biophysical properties (such as structural, functional, and spatial information, amino acid conservation, physicochemical variation, residue mobility, and thermodynamic stability) performed at Invitae indicates that this missense variant is not expected to disrupt SETD5 protein function with a negative predictive value of 80%. In summary, the available evidence is currently insufficient to determine the role of this variant in disease. Therefore, it has been classified as a Variant of Uncertain Significance.

Neuberg Centre For Genomic Medicine, NCGM
Classification: Uncertain significance for Intellectual disability-facial dysmorphism syndrome due to SETD5 haploinsufficiency. Last evaluated: 2023-05-20. Review status: criteria provided, single submitter. Criteria: ACMG Guidelines, 2015. Collection method: clinical testing. Allele origin: germline. Inheritance: Autosomal dominant inheritance. Affected: yes.
Comment: The observed missense c.2471A>G(p.Asn824Ser) variant in SETD5 gene has not been reported previously as a pathogenic variant nor a benign variant, to our knowledge. The p.Asn824Ser variant is absent in gnomAD Exomes. This variant has not been submitted to the ClinVar database. Multiple lines of computational evidences (Polyphen - Benign, SIFT - Tolerated and MutationTaster - Polymorphism) predict no damaging effect on protein structure and function for this variant. The amino acid change p.Asn824Ser in SETD5 is predicted as conserved by PhyloP across 100 vertebrates. The amino acid Asn at position 824 is changed to a Ser changing protein sequence and it might alter its composition and physico-chemical properties. For these reasons, this variant has been classified as a Variant of Uncertain Significance (VUS).

GeneDx
Classification: Uncertain significance. Last evaluated: 2023-03-14. Review status: criteria provided, single submitter. Criteria: GeneDx Variant Classification Process June 2021. Collection method: clinical testing. Allele origin: germline. Affected: yes.
Comment: Not observed in large population cohorts (gnomAD); In silico analysis supports that this missense variant does not alter protein structure/function; Has not been previously published as pathogenic or benign to our knowledge